The following is an entry in ClinVar:

ClinVar aggregate classification (germline): Likely benign. Review status: criteria provided, multiple submitters, no conflicts (2 of 4 stars). 11 submissions from 11 submitters: Likely benign (9). 2 of the submissions do not count toward it. Last evaluated 2026-02-02.

Conditions:
HPS5-related disorder. Also called: HPS5-related condition.
Inborn genetic diseases. Identifiers: MedGen C0950123, MeSH D030342.
Hermansky-Pudlak syndrome 5 (HPS5). Identifiers: Orphanet 231512, Orphanet 79430, MedGen C3888004, MONDO:0013557, OMIM 614074.
Abnormal bleeding. Also called: Bleeding diathesis. Identifiers: MedGen C1458140, HP:0001892.
Thrombocytopenia. Identifiers: MedGen C0040034, MeSH D013921, MONDO:0002049, HP:0001873.

Allele frequency attached by ClinVar (database versions not stated): 1000 Genomes Project 0.00100; 1000 Genomes Project 30x 0.00125; ExAC 0.00282; gnomAD exomes 0.00285; TOPMed 0.00298; gnomAD 0.00300 and 0.00309; ESP Exome Variant Server 0.00308.

Submissions (11):

Labcorp Genetics (formerly Invitae), Labcorp
Classification: Likely benign. Last evaluated: 2026-02-02. Review status: criteria provided, single submitter. Criteria: Invitae Variant Classification Sherloc (09022015). Collection method: clinical testing. Allele origin: germline.

CeGaT Center for Human Genetics Tuebingen
Classification: Likely benign. Last evaluated: 2023-01-01. Review status: criteria provided, single submitter. Criteria: CeGaT Center For Human Genetics Tuebingen Variant Classification Criteria Version 2. Collection method: clinical testing. Allele origin: germline. Affected: yes. Observed: 1 variant allele.
Comment: HPS5: BS2

Victorian Clinical Genetics Services, Murdoch Childrens Research Institute
Classification: Likely benign for Hermansky-Pudlak syndrome 5. Last evaluated: 2022-02-02. Review status: criteria provided, single submitter. Criteria: ACMG Guidelines, 2015. Collection method: clinical testing. Allele origin: germline. Inheritance: Autosomal recessive inheritance.
Comment: Based on the classification scheme VCGS_Germline_v1.3.4, this variant is classified as likely benign. Following criteria are met: 0308 - Population frequency for this variant is out of keeping with known incidence of autosomal recessive Hermansky-Pudlak syndrome 5 (MIM#614074). (SB) Legend: (SP) - Supporting pathogenic, (I) - Information, (SB) - Supporting benign

Ambry Genetics
Classification: Likely benign for Inborn genetic diseases. Last evaluated: 2021-10-18. Review status: criteria provided, single submitter. Criteria: Ambry Variant Classification Scheme 2023. Collection method: clinical testing. Allele origin: germline.

GeneDx
Classification: Likely benign. Last evaluated: 2020-12-21. Review status: criteria provided, single submitter. Criteria: GeneDx Variant Classification Process June 2021. Collection method: clinical testing. Allele origin: germline. Affected: yes.

Illumina Laboratory Services, Illumina
Classification: Likely benign for Hermansky-Pudlak syndrome 5. Last evaluated: 2018-01-13. Review status: criteria provided, single submitter. Criteria: ICSL Variant Classification Criteria 13 December 2019. Collection method: clinical testing. Allele origin: germline.
Comment: This variant was observed in the ICSL laboratory as part of a predisposition screen in an ostensibly healthy population. It had not been previously curated by ICSL or reported in the Human Gene Mutation Database (HGMD: prior to June 1st, 2018), and was therefore a candidate for classification through an automated scoring system. Utilizing variant allele frequency, disease prevalence and penetrance estimates, and inheritance mode, an automated score was calculated to assess if this variant is too frequent to cause the disease. Based on the score and internal cut-off values, a variant classified as likely benign is not then subjected to further curation. The score for this variant resulted in a classification of likely benign for this disease.

Laboratory for Molecular Medicine, Mass General Brigham Personalized Medicine
Classification: Likely benign. Last evaluated: 2015-08-06. Review status: criteria provided, single submitter. Criteria: LMM Criteria. Collection method: clinical testing. Allele origin: germline. Observed: 1 variant allele.
Comment: p.Met115Ile in exon 5 of HPS5: This variant is not expected to have clinical sig nificance because it has been identified in 0.4% of European chromosomes by the Exome Aggregation Consortium (ExAC; dbSNP rs1492 29493).

Eurofins Ntd Llc (ga)
Classification: Likely benign. Last evaluated: 2015-05-08. Review status: criteria provided, single submitter. Criteria: EGL Classification Definitions 2015. Collection method: clinical testing. Allele origin: germline. Observed: 1 variant allele, 1 heterozygote.

Breakthrough Genomics
Classification: Likely benign. Review status: criteria provided, single submitter. Criteria: ACMG Guidelines, 2015. Collection method: not provided. Allele origin: germline. Inheritance: Autosomal recessive inheritance. Affected: yes.

Birmingham Platelet Group; University of Birmingham
Classification: Uncertain significance for Thrombocytopenia; Abnormal bleeding. Last evaluated: 2020-05-01. Review status: no assertion criteria provided. Collection method: research. Allele origin: germline. Affected: yes. Not counted in ClinVar's aggregate classification.

PreventionGenetics, part of Exact Sciences
Classification: Likely benign for HPS5-related condition. Last evaluated: 2020-04-09. Review status: no assertion criteria provided. Collection method: clinical testing. Allele origin: germline. Not counted in ClinVar's aggregate classification.
Comment: This variant is classified as likely benign based on ACMG/AMP sequence variant interpretation guidelines (Richards et al. 2015 PMID: 25741868, with internal and published modifications).

NM_181507.2(HPS5):c.345G>A (p.Met115Ile)

Genes: HPS5 (HPS5 biogenesis of lysosomal organelles complex 2 subunit 2; minus strand), LOC130005404 (ATAC-STARR-seq lymphoblastoid active region 4495; plus strand). Cytogenetic location: 11p15.1.
Variant type: single nucleotide variant.
Coding change: c.345G>A on transcript NM_181507.2 (MANE Select); coding-DNA position 345, G replaced by A.
Protein change: p.Met115Ile; replaces methionine 115 with isoleucine.
Molecular consequence: missense variant. On other transcripts: initiator codon variant (1).
Genome position (GRCh38, 1-based): chr11:18,310,873, C>T on the plus strand (G>A on the coding strand, the complement: HPS5 is on the minus strand). VCF-style: chr11-18310873-C-T. GRCh37 (hg19) VCF-style: chr11-18332420-C-T.
Other names: c.3G>A, p.Met1Ile (NM_007216.4, NM_181508.2); short protein forms M115I, M1I.
Identifiers: ClinVar variation 197894 (VCV000197894.56), dbSNP rs149229493, ClinGen allele CA203145.
Genomic context (GRCh38, chr11:18,310,873, plus strand): 5'-AATAGCTGTATCCCAGCAGAGAGCTGTGACTCTTCGGCCTTTGTGTTCTGAAGACACATA[C>T]ATTTGTTCCGGTTTCCCACGACGCTCTTGATTTAATTCCCAAACAACCACAAGACCTTGA-3'
Protein context (NP_852608.1, residues 105-125): NQERRGKPEQ[Met115Ile]YVSSEHKGRR